The following is an entry in ClinVar:

NM_017934.7(PHIP):c.434G>A (p.Ser145Asn)

Gene: PHIP (PHIP subunit of CUL4-Ring ligase complex; minus strand). Cytogenetic location: 6q14.1.
Variant type: single nucleotide variant.
Coding change: c.434G>A on transcript NM_017934.7 (MANE Select); coding-DNA position 434, G replaced by A.
Protein change: p.Ser145Asn; replaces serine 145 with asparagine.
Molecular consequence: missense variant.
Genome position (GRCh38, 1-based): chr6:79,060,483, C>T on the plus strand (G>A on the coding strand, the complement: PHIP is on the minus strand). VCF-style: chr6-79060483-C-T. GRCh37 (hg19) VCF-style: chr6-79770200-C-T.
Other names: short protein forms S145N.
Identifiers: ClinVar variation 3349732 (VCV003349732.1).

ClinVar aggregate classification (germline): Uncertain significance (0 of 4 stars; one submission).

Conditions:
PHIP-related disorder. Also called: PHIP-related condition; PHIP-related disorders.

Submission:

PreventionGenetics, part of Exact Sciences
Classification: Uncertain significance for PHIP-related condition. Last evaluated: 2023-10-20. Review status: no assertion criteria provided. Collection method: clinical testing. Allele origin: germline.
Comment: The PHIP c.434G>A variant is predicted to result in the amino acid substitution p.Ser145Asn. To our knowledge, this variant has not been reported in the literature or in a large population database, indicating this variant is rare. At this time, the clinical significance of this variant is uncertain due to the absence of conclusive functional and genetic evidence.